The following is an entry in ClinVar:

NM_000135.4(FANCA):c.190-11T>A

Gene: FANCA (FA complementation group A; minus strand). Cytogenetic location: 16q24.3.
Variant type: single nucleotide variant.
Coding change: c.190-11T>A on transcript NM_000135.4 (MANE Select); 11 bases into the intron before coding-DNA position 190, T replaced by A.
Molecular consequence: intron variant.
Genome position (GRCh38, 1-based): chr16:89,814,624, A>T on the plus strand (T>A on the coding strand, the complement: FANCA is on the minus strand). VCF-style: chr16-89814624-A-T. GRCh37 (hg19) VCF-style: chr16-89881032-A-T.
Other names: c.190-11T>A (NM_001286167.3, NM_001351830.2, NM_001018112.3).
Identifiers: ClinVar variation 4778121 (VCV004778121.1).

ClinVar aggregate classification (germline): Uncertain significance (1 of 4 stars; one submission).

Conditions:
Fanconi anemia (FA). Also called: Fanconi's anemia. Identifiers: Orphanet 84, MedGen C0015625, MeSH D005199, MONDO:0019391.

Submission:

Labcorp Genetics (formerly Invitae), Labcorp
Classification: Uncertain significance for Fanconi anemia. Last evaluated: 2025-11-27. Review status: criteria provided, single submitter. Criteria: Invitae Variant Classification Sherloc (09022015). Collection method: clinical testing. Allele origin: germline.
Comment: This sequence change falls in intron 2 of the FANCA gene. It does not directly change the encoded amino acid sequence of the FANCA protein. This variant is not present in population databases (gnomAD no frequency). This variant has not been reported in the literature in individuals affected with FANCA-related conditions. Algorithms developed to predict the effect of sequence changes on RNA splicing suggest that this variant may disrupt the consensus splice site. In summary, the available evidence is currently insufficient to determine the role of this variant in disease. Therefore, it has been classified as a Variant of Uncertain Significance.